The following is an entry in ClinVar:

NM_001035.3(RYR2):c.10069G>C (p.Asp3357His)

Gene: RYR2 (ryanodine receptor 2; plus strand). Cytogenetic location: 1q43.
Variant type: single nucleotide variant.
Coding change: c.10069G>C on transcript NM_001035.3 (MANE Select); coding-DNA position 10069, G replaced by C.
Protein change: p.Asp3357His; replaces aspartic acid 3357 with histidine.
Molecular consequence: missense variant.
Genome position (GRCh38, 1-based): chr1:237,709,025, G>C. VCF-style: chr1-237709025-G-C. GRCh37 (hg19) VCF-style: chr1-237872325-G-C.
Other names: short protein forms D3357H.
Identifiers: ClinVar variation 922166 (VCV000922166.5), dbSNP rs1688606545, ClinGen allele CA063351.

ClinVar aggregate classification (germline): Uncertain significance (1 of 4 stars; one submission).

Conditions:
Cardiomyopathy (CMYO). Also called: Cardiomyopathies. Identifiers: Orphanet 167848, MedGen C0878544, MONDO:0004994, HP:0001638. Inheritance: Various modes of inheritance.

Submission:

Color Diagnostics, LLC DBA Color Health
Classification: Uncertain significance for Cardiomyopathy. Last evaluated: 2023-12-05. Review status: criteria provided, single submitter. Criteria: ACMG Guidelines, 2015. Collection method: clinical testing. Allele origin: germline.
Comment: Variant of Uncertain Significance due to insufficient evidence: This missense variant is located in the cytoplasmic domain of the RYR2 protein. Computational prediction tools and conservation analyses suggest that this variant may have deleterious impact on the protein function. Computational splicing tools suggest that this variant may not impact RNA splicing. To our knowledge, functional assays have not been performed for this variant nor has this variant been reported in individuals affected with cardiovascular disorders in the literature. This variant is rare in the general population and has been identified in 0/277264 chromosomes by the Genome Aggregation Database (gnomAD). Available evidence is insufficient to determine the pathogenicity of this variant conclusively.